The following is an entry in ClinVar:

ClinVar aggregate classification (germline): Pathogenic (1 of 4 stars; one submission).

Submission:

Labcorp Genetics (formerly Invitae), Labcorp
Classification: Pathogenic. Last evaluated: 2022-09-19. Review status: criteria provided, single submitter. Criteria: Invitae Variant Classification Sherloc (09022015). Collection method: clinical testing. Allele origin: germline.
Comment: This sequence change creates a premature translational stop signal (p.Gln733*) in the CENPJ gene. It is expected to result in an absent or disrupted protein product. Loss-of-function variants in CENPJ are known to be pathogenic (PMID: 15793586, 16900296, 20522431). This variant is not present in population databases (gnomAD no frequency). This variant has not been reported in the literature in individuals affected with CENPJ-related conditions. For these reasons, this variant has been classified as Pathogenic.

Literature cited by the submitters: PubMed 15793586; PubMed 16900296; PubMed 20522431.

NM_018451.5(CPAP):c.2197C>T (p.Gln733Ter)

Gene: CPAP (centrosome assembly and centriole elongation protein; minus strand). Cytogenetic location: 13q12.13.
Variant type: single nucleotide variant.
Coding change: c.2197C>T on transcript NM_018451.5 (MANE Select); coding-DNA position 2197, C replaced by T.
Protein change: p.Gln733Ter; replaces glutamine 733 with a stop codon.
Molecular consequence: nonsense. On other transcripts: non-coding transcript variant (2).
Genome position (GRCh38, 1-based): chr13:24,905,841, G>A on the plus strand (C>T on the coding strand, the complement: CPAP is on the minus strand). VCF-style: chr13-24905841-G-A. GRCh37 (hg19) VCF-style: chr13-25479979-G-A.
Other names: short protein forms Q733*.
Identifiers: ClinVar variation 2024821 (VCV002024821.3), dbSNP rs2541687729, ClinGen allele CA387585558.
Genomic context (GRCh38, chr13:24,905,841, plus strand): 5'-CTCTCCTTTTATCTTCTTGGGTCCTGGTGTCCTTAAAAGGCCCCTTATCATCACAGACTT[G>A]TGGGCTATCCTCTCTGCTGCTGATGCCCCTCTCTCTATCCTCAGTCGATGGTTTTATGGT-3'